The following is an entry in ClinVar:

NM_000051.4(ATM):c.2877C>T (p.Tyr959=)

Gene: ATM (ATM serine/threonine kinase; plus strand). Cytogenetic location: 11q22.3.
Variant type: single nucleotide variant.
Coding change: c.2877C>T on transcript NM_000051.4 (MANE Select); coding-DNA position 2877, C replaced by T.
Protein change: p.Tyr959=; no amino-acid change (tyrosine 959 retained).
Molecular consequence: synonymous variant.
Genome position (GRCh38, 1-based): chr11:108,271,102, C>T. VCF-style: chr11-108271102-C-T. GRCh37 (hg19) VCF-style: chr11-108141829-C-T.
Other names: c.2877C>T, p.Tyr959= (NM_001351834.2).
Identifiers: ClinVar variation 1095096 (VCV001095096.10), dbSNP rs1057517253, ClinGen allele CA476674165.

ClinVar aggregate classification (germline): Benign/Likely benign. Review status: criteria provided, multiple submitters, no conflicts (2 of 4 stars). 2 submissions from 2 submitters: Benign (1); Likely benign (1). Last evaluated 2024-05-10.

Conditions:
Familial cancer of breast. Also called: BREAST CANCER, FAMILIAL; hereditary breast carcinoma; Hereditary breast cancer. Identifiers: Orphanet 227535, MedGen C0346153, MONDO:0016419, OMIM 114480. Disease mechanism: loss of function.
Ataxia-telangiectasia syndrome (AT). Also called: ATAXIA-TELANGIECTASIA, COMPLEMENTATION GROUP A; ATAXIA-TELANGIECTASIA, FRESNO VARIANT; Ataxia-telangiectasia; Ataxia telangiectasia (A-T); LOUIS-BAR SYNDROME; Ataxia-telangiectasia, complementation group D. Identifiers: Orphanet 100, MedGen C0004135, MONDO:0008840, OMIM 208900.

Submissions (2):

Myriad Genetics, Inc.
Classification: Benign for Familial cancer of breast. Last evaluated: 2024-05-10. Review status: criteria provided, single submitter. Criteria: Myriad Autosomal Dominant, Autosomal Recessive and X-Linked Classification Criteria (2023). Collection method: clinical testing. Allele origin: unknown.
Comment: This variant is considered benign. This variant is a silent/synonymous amino acid change and it is not expected to impact splicing.

Labcorp Genetics (formerly Invitae), Labcorp
Classification: Likely benign for Ataxia-telangiectasia syndrome. Last evaluated: 2024-04-05. Review status: criteria provided, single submitter. Criteria: Invitae Variant Classification Sherloc (09022015). Collection method: clinical testing. Allele origin: germline.